The following is an entry in ClinVar:

ClinVar aggregate classification (germline): Uncertain significance (1 of 4 stars; one submission).

gnomAD v4.1: 3 of 1,614,114 alleles (0.00019%); highest among the groups gnomAD compares: African/African-American, 0.0013%; no homozygotes.

Submission:

Ambry Genetics
Classification: Uncertain significance. Last evaluated: 2025-01-23. Review status: criteria provided, single submitter. Criteria: Ambry Variant Classification Scheme 2023. Collection method: clinical testing. Allele origin: germline.
Comment: The p.T606A variant (also known as c.1816A>G), located in coding exon 1 of the TET2 gene, results from an A to G substitution at nucleotide position 1816. The threonine at codon 606 is replaced by alanine, an amino acid with similar properties. This amino acid position is conserved. In addition, this alteration is predicted to be tolerated by in silico analysis. Based on the available evidence, the clinical significance of this variant remains unclear.

NM_001127208.3(TET2):c.1816A>G (p.Thr606Ala)

Genes: TET2 (tet methylcytosine dioxygenase 2; plus strand), TET2-AS1 (TET2 antisense RNA 1; minus strand). Cytogenetic location: 4q24.
Variant type: single nucleotide variant.
Coding change: c.1816A>G on transcript NM_001127208.3 (MANE Select); coding-DNA position 1816, A replaced by G.
Protein change: p.Thr606Ala; replaces threonine 606 with alanine.
Molecular consequence: missense variant.
Genome position (GRCh38, 1-based): chr4:105,235,758, A>G. VCF-style: chr4-105235758-A-G. GRCh37 (hg19) VCF-style: chr4-106156915-A-G.
Other names: c.1816A>G, p.Thr606Ala (NM_017628.4); short protein forms T606A.
Identifiers: ClinVar variation 3805992 (VCV003805992.1).
Genomic context (GRCh38, chr4:105,235,758, plus strand): 5'-CTGCCATCAATTCTTCAGTATCAACCCAATCTCTCCAATCAAATGACCTCCAAACAATAC[A>G]CTGGAAATTCCAACATGCCTGGGGGGCTCCCAAGGCAAGCTTACACCCAGAAAACAACAC-3'
Protein context (NP_001120680.1, residues 596-616): LSNQMTSKQY[Thr606Ala]GNSNMPGGLP